The following is an entry in ClinVar:

ClinVar aggregate classification (germline): Uncertain significance (1 of 4 stars; one submission).

Conditions:
Autosomal recessive early-onset Parkinson disease 6 (PARK6). Also called: PARKINSON DISEASE 6, EARLY-ONSET; PINK1 Type of Young-Onset Parkinson Disease; PARKINSON DISEASE 6, MODIFIER OF; PINK1-Related Parkinson Disease. Identifiers: Orphanet 2828, MedGen C1853833, MONDO:0011613, OMIM 605909.

gnomAD v4.1: 5 of 1,581,294 alleles (0.00032%); highest among the groups gnomAD compares: Non-Finnish European, 0.00043%; no homozygotes.

Submission:

Labcorp Genetics (formerly Invitae), Labcorp
Classification: Uncertain significance for Autosomal recessive early-onset Parkinson disease 6. Last evaluated: 2024-09-23. Review status: criteria provided, single submitter. Criteria: Invitae Variant Classification Sherloc (09022015). Collection method: clinical testing. Allele origin: germline.
Comment: This sequence change replaces leucine, which is neutral and non-polar, with isoleucine, which is neutral and non-polar, at codon 110 of the PINK1 protein (p.Leu110Ile). This variant is not present in population databases (gnomAD no frequency). This variant has not been reported in the literature in individuals affected with PINK1-related conditions. ClinVar contains an entry for this variant (Variation ID: 2040644). Invitae Evidence Modeling of protein sequence and biophysical properties (such as structural, functional, and spatial information, amino acid conservation, physicochemical variation, residue mobility, and thermodynamic stability) indicates that this missense variant is not expected to disrupt PINK1 protein function with a negative predictive value of 80%. In summary, the available evidence is currently insufficient to determine the role of this variant in disease. Therefore, it has been classified as a Variant of Uncertain Significance.

NM_032409.3(PINK1):c.328C>A (p.Leu110Ile)

Gene: PINK1 (PTEN induced kinase 1; plus strand). Cytogenetic location: 1p36.12.
Variant type: single nucleotide variant.
Coding change: c.328C>A on transcript NM_032409.3 (MANE Select); coding-DNA position 328, C replaced by A.
Protein change: p.Leu110Ile; replaces leucine 110 with isoleucine.
Molecular consequence: missense variant.
Genome position (GRCh38, 1-based): chr1:20,633,876, C>A. VCF-style: chr1-20633876-C-A. GRCh37 (hg19) VCF-style: chr1-20960369-C-A.
Other names: short protein forms L110I.
Identifiers: ClinVar variation 2040644 (VCV002040644.2), dbSNP rs2053021240, ClinGen allele CA338854288.